The following is an entry in ClinVar:

ClinVar aggregate classification (germline): Benign/Likely benign. Review status: criteria provided, multiple submitters, no conflicts (2 of 4 stars). 7 submissions from 7 submitters: Benign (3); Likely benign (3). 1 of the submissions does not count toward it. Last evaluated 2025-09-23.

Conditions:
NIPBL-related disorder. Also called: NIPBL-related condition.
Inborn genetic diseases. Identifiers: MedGen C0950123, MeSH D030342.
Cornelia de Lange syndrome 1 (CDLS1). Also called: TYPUS DEGENERATIVUS AMSTELODAMENSIS; NIPBL-Related Cornelia de Lange Syndrome; Brachmann de Lange syndrome. Identifiers: Orphanet 199, MedGen C4551851, MONDO:0007387, OMIM 122470.

Allele frequency attached by ClinVar (database versions not stated): ExAC 0.00021; 1000 Genomes Project 30x 0.00047; TOPMed 0.00065; ESP Exome Variant Server 0.00085; gnomAD exomes 0.00004 and 0.00014; gnomAD 0.00048 and 0.00051; 1000 Genomes Project 0.00060.
gnomAD v4.1: 139 of 1,613,344 alleles (0.0086%); highest among the groups gnomAD compares: African/African-American, 0.15%; no homozygotes.

Submissions (7):

Labcorp Genetics (formerly Invitae), Labcorp
Classification: Benign for Cornelia de Lange syndrome 1. Last evaluated: 2025-09-23. Review status: criteria provided, single submitter. Criteria: Invitae Variant Classification Sherloc (09022015). Collection method: clinical testing. Allele origin: germline.

CeGaT Center for Human Genetics Tuebingen
Classification: Likely benign. Last evaluated: 2022-12-01. Review status: criteria provided, single submitter. Criteria: CeGaT Center For Human Genetics Tuebingen Variant Classification Criteria Version 2. Collection method: clinical testing. Allele origin: germline. Affected: yes. Observed: 1 variant allele.
Comment: NIPBL: BP4, BP7, BS1

Genome-Nilou Lab
Classification: Benign for Cornelia de Lange syndrome 1. Last evaluated: 2021-07-15. Review status: criteria provided, single submitter. Criteria: ACMG Guidelines, 2015. Collection method: clinical testing. Allele origin: germline. Affected: no.

Illumina Laboratory Services, Illumina
Classification: Benign for Cornelia de Lange syndrome 1. Last evaluated: 2018-01-13. Review status: criteria provided, single submitter. Criteria: ICSL Variant Classification Criteria 13 December 2019. Collection method: clinical testing. Allele origin: germline.
Comment: This variant was observed in the ICSL laboratory as part of a predisposition screen in an ostensibly healthy population. It had not been previously curated by ICSL or reported in the Human Gene Mutation Database (HGMD: prior to June 1st, 2018), and was therefore a candidate for classification through an automated scoring system. Utilizing variant allele frequency, disease prevalence and penetrance estimates, and inheritance mode, an automated score was calculated to assess if this variant is too frequent to cause the disease. Based on the score and internal cut-off values, a variant classified as benign is not then subjected to further curation. The score for this variant resulted in a classification of benign for this disease.

Ambry Genetics
Classification: Likely benign for Inborn genetic diseases. Last evaluated: 2017-03-21. Review status: criteria provided, single submitter. Criteria: Ambry Variant Classification Scheme 2023. Collection method: clinical testing. Allele origin: germline.

Genetic Services Laboratory, University of Chicago
Classification: Likely benign. Last evaluated: 2013-02-08. Review status: criteria provided, single submitter. Criteria: ACMG Guidelines, 2007. Collection method: clinical testing. Allele origin: germline. Inheritance: Autosomal dominant inheritance.

PreventionGenetics, part of Exact Sciences
Classification: Likely benign for NIPBL-related condition. Last evaluated: 2023-12-28. Review status: no assertion criteria provided. Collection method: clinical testing. Allele origin: germline. Not counted in ClinVar's aggregate classification.
Comment: This variant is classified as likely benign based on ACMG/AMP sequence variant interpretation guidelines (Richards et al. 2015 PMID: 25741868, with internal and published modifications).

NM_133433.4(NIPBL):c.4959A>G (p.Lys1653=)

Gene: NIPBL (NIPBL cohesin loading factor; plus strand). Cytogenetic location: 5p13.2.
Variant type: single nucleotide variant.
Coding change: c.4959A>G on transcript NM_133433.4 (MANE Select); coding-DNA position 4959, A replaced by G.
Protein change: p.Lys1653=; no amino-acid change (lysine 1653 retained).
Molecular consequence: synonymous variant.
Genome position (GRCh38, 1-based): chr5:37,019,349, A>G. VCF-style: chr5-37019349-A-G. GRCh37 (hg19) VCF-style: chr5-37019451-A-G.
Other names: c.4959A>G, p.Lys1653= (NM_015384.5).
Identifiers: ClinVar variation 159132 (VCV000159132.41), dbSNP rs145952190, ClinGen allele CA172708.
Genomic context (GRCh38, chr5:37,019,349, plus strand): 5'-TCTTATTTGGTTTATTCTATAGGTTTCAGGAGGGGAAGATGAAATCCAACAATTACAAAA[A>G]GCATTGCTTGATTACTTGGATGAAAACACTGAGACTGATCCTTCACTAGTGGTAGGATTC-3'
Protein context (NP_597677.2, residues 1643-1663): GGEDEIQQLQ[Lys1653=]ALLDYLDENT